The following is an entry in ClinVar:

NM_001267550.2(TTN):c.4899TAA[1] (p.Asn1634del)

Genes: TTN (titin; minus strand), LOC101927055 (uncharacterized LOC101927055; plus strand). Cytogenetic location: 2q31.2.
Variant type: Microsatellite.
Coding change: c.4899TAA[1] on transcript NM_001267550.2 (MANE Select); one copy of the 3-base unit TAA starting at c.4899; the reference has two copies in a row; one copy, 3 bases deleted.
Protein change: p.Asn1634del; deletes asparagine 1634.
Molecular consequence: inframe deletion. On other transcripts: non-coding transcript variant (1).
Genome position (GRCh38, 1-based): chr2:178,776,960-178,776,962, TTA deleted on the plus strand (TAA on the coding strand, the reverse complement: TTN is on the minus strand); deleting any 3 consecutive bases within chr2:178,776,960-178,776,965 gives the same sequence; the position shown is the placement nearest the transcript's 3' end. VCF-style (leftmost placement, unchanged base first): chr2-178776959-TTTA-T. GRCh37 (hg19) VCF-style: chr2-179641686-TTTA-T.
Other names: c.4899TAA[1], p.Asn1634del (NM_001256850.1, NM_133378.4, NM_133379.5); c.4761TAA[1], p.Asn1588del (NM_003319.4, NM_133432.3, NM_133437.4); short protein forms N1588del, N1634del.
Identifiers: ClinVar variation 3250943 (VCV003250943.18), dbSNP rs2532907238.

ClinVar aggregate classification (germline): Uncertain significance (1 of 4 stars; one submission).

Submission:

CeGaT Center for Human Genetics Tuebingen
Classification: Uncertain significance. Last evaluated: 2024-06-01. Review status: criteria provided, single submitter. Criteria: CeGaT Center For Human Genetics Tuebingen Variant Classification Criteria Version 2. Collection method: clinical testing. Allele origin: germline. Affected: yes. Observed: 1 variant allele.
Comment: TTN: PM2, PM4:Supporting